The following is an entry in ClinVar:

ClinVar aggregate classification (germline): Uncertain significance. Review status: criteria provided, multiple submitters, no conflicts (2 of 4 stars). 3 submissions from 3 submitters: Uncertain significance (3). Last evaluated 2025-12-13.

Conditions:
Cardiovascular phenotype. Identifiers: MedGen CN230736.
Hereditary cancer-predisposing syndrome. Also called: Hereditary Cancer Syndrome; Hereditary neoplastic syndrome; Neoplastic Syndromes, Hereditary; Tumor predisposition. Identifiers: Orphanet 140162, MedGen C0027672, MeSH D009386, MONDO:0015356.
LZTR1-related schwannomatosis. Also called: Schwannomatosis 2; Schwannomatosis-2, susceptibility to. Identifiers: Orphanet 93921, MedGen C3810283, MONDO:0014299, OMIM 615670.

Submissions (3):

Labcorp Genetics (formerly Invitae), Labcorp
Classification: Uncertain significance. Last evaluated: 2025-12-13. Review status: criteria provided, single submitter. Criteria: Invitae Variant Classification Sherloc (09022015). Collection method: clinical testing. Allele origin: germline.
Comment: This sequence change replaces isoleucine, which is neutral and non-polar, with valine, which is neutral and non-polar, at codon 189 of the LZTR1 protein (p.Ile189Val). This variant is not present in population databases (gnomAD no frequency). This variant has not been reported in the literature in individuals affected with LZTR1-related conditions. ClinVar contains an entry for this variant (Variation ID: 1748905). Invitae Evidence Modeling of protein sequence and biophysical properties (such as structural, functional, and spatial information, amino acid conservation, physicochemical variation, residue mobility, and thermodynamic stability) indicates that this missense variant is not expected to disrupt LZTR1 protein function with a negative predictive value of 80%. In summary, the available evidence is currently insufficient to determine the role of this variant in disease. Therefore, it has been classified as a Variant of Uncertain Significance.

Ambry Genetics
Classification: Uncertain significance for Cardiovascular phenotype; Hereditary cancer-predisposing syndrome. Last evaluated: 2024-11-29. Review status: criteria provided, single submitter. Criteria: Ambry Variant Classification Scheme 2023. Collection method: clinical testing. Allele origin: germline.
Comment: The c.565A>G variant (also known as p.I189V), located in coding exon 6 of the LZTR1 gene, results from an A to G substitution at nucleotide position 565. The isoleucine at codon 189 is replaced by valine, an amino acid with highly similar properties. This nucleotide position is highly conserved in available vertebrate species. In silico splice site analysis predicts that this alteration will not have any significant effect on splicing. RNA studies have demonstrated that this alteration results in an incomplete splice defect; the clinical impact of this abnormal splicing is unknown at this time (Ambry internal data). Based on the available evidence, the clinical significance of this variant remains unclear.

Baylor Genetics
Classification: Uncertain significance for LZTR1-related schwannomatosis. Last evaluated: 2023-08-03. Review status: criteria provided, single submitter. Criteria: ACMG Guidelines, 2015. Collection method: clinical testing. Allele origin: unknown.

NM_006767.4(LZTR1):c.565A>G (p.Ile189Val)

Gene: LZTR1 (leucine zipper like post translational regulator 1; plus strand). Cytogenetic location: 22q11.21.
Variant type: single nucleotide variant.
Coding change: c.565A>G on transcript NM_006767.4 (MANE Select); coding-DNA position 565, A replaced by G.
Protein change: p.Ile189Val; replaces isoleucine 189 with valine.
Molecular consequence: missense variant.
Genome position (GRCh38, 1-based): chr22:20,988,844, A>G. VCF-style: chr22-20988844-A-G. GRCh37 (hg19) VCF-style: chr22-21343133-A-G.
Other names: short protein forms I189V.
Identifiers: ClinVar variation 1748905 (VCV001748905.7), dbSNP rs1924497432, ClinGen allele CA410780190.